The following is an entry in ClinVar:

ClinVar aggregate classification (germline): Likely pathogenic (1 of 4 stars; one submission).

Conditions:
Persistent Mullerian duct syndrome (PMDS). Also called: PSEUDOHERMAPHRODITISM, MALE INTERNAL; FEMALE GENITAL DUCTS IN OTHERWISE NORMAL MALE; HERNIA UTERI INGUINALE; PERSISTENT OVIDUCT SYNDROME; PERSISTENT MULLERIAN DUCT SYNDROME, TYPES I AND II. Identifiers: Orphanet 2856, MedGen C1849930, MONDO:0009857, OMIM 261550.

Submission:

Laboratory for Molecular Medicine, Mass General Brigham Personalized Medicine
Classification: Likely pathogenic for Persistent Mullerian duct syndrome. Last evaluated: 2020-06-11. Review status: criteria provided, single submitter. Criteria: LMM Criteria. Collection method: clinical testing. Allele origin: germline. Inheritance: Autosomal recessive inheritance. Observed: 1 variant allele.
Comment: The p.Val15TrpfsX29 variant in AMHR2 has not been previously reported in individuals with persistent MÃ¼llerian duct syndrome and was absent from large population studies. This variant is predicted to cause a frameshift, which alters the proteinâ€™s amino acid sequence beginning at position 15 and leads to a premature termination codon 29 amino acids downstream. This alteration is then predicted to lead to a truncated or absent protein. Loss of function of the AMHR2 gene is an established disease mechanism in autosomal recessive persistent MÃ¼llerian duct syndrome. In summary, although additional studies are required to fully establish its clinical significance, this variant meets criteria to be classified as likely pathogenic for autosomal recessive persistent MÃ¼llerian duct syndrome. ACMG/AMP Criteria applied: PVS1, PM2.

NM_020547.3(AMHR2):c.43del (p.Val15fs)

Gene: AMHR2 (anti-Mullerian hormone receptor type 2; plus strand). Cytogenetic location: 12q13.13.
Variant type: Deletion.
Coding change: c.43del on transcript NM_020547.3 (MANE Select); coding-DNA position 43, one base deleted (G; older notation c.43delG).
Protein change: p.Val15fs; shifts the reading frame from valine 15.
Molecular consequence: frameshift variant.
Genome position (GRCh38, 1-based): chr12:53,423,977, G deleted. VCF-style (leftmost placement, unchanged base first): chr12-53423976-TG-T. GRCh37 (hg19) VCF-style: chr12-53817760-TG-T.
Other names: c.43del, p.Val15fs (NM_001164690.2, NM_001164691.2); short protein forms V15fs.
Identifiers: ClinVar variation 1120085 (VCV001120085.4), dbSNP rs2136938115, ClinGen allele CA2499221755.